The following is an entry in ClinVar:

ClinVar aggregate classification (germline): Uncertain significance. Review status: criteria provided, multiple submitters, no conflicts (2 of 4 stars). 3 submissions from 3 submitters: Uncertain significance (3). Last evaluated 2025-11-13.

Conditions:
Hereditary cancer-predisposing syndrome. Also called: Neoplastic Syndromes, Hereditary; Tumor predisposition; Hereditary Cancer Syndrome; Hereditary neoplastic syndrome. Identifiers: Orphanet 140162, MedGen C0027672, MeSH D009386, MONDO:0015356.
Hereditary breast ovarian cancer syndrome. Also called: BRCA1- and BRCA2-Associated Hereditary Breast and Ovarian Cancer; Hereditary breast and ovarian cancer syndrome; Hereditary breast and ovarian cancer; Hereditary breast and ovarian cancer syndrome (HBOC); Breast and ovarian cancer; Hereditary breast and/or ovarian cancer syndrome. Identifiers: Orphanet 145, MedGen C0677776, MeSH D061325, MONDO:0003582. Disease mechanism: loss of function.

Submissions (3):

Labcorp Genetics (formerly Invitae), Labcorp
Classification: Uncertain significance for Hereditary breast ovarian cancer syndrome. Last evaluated: 2025-11-13. Review status: criteria provided, single submitter. Criteria: Invitae Variant Classification Sherloc (09022015). Collection method: clinical testing. Allele origin: germline.
Comment: This sequence change replaces alanine, which is neutral and non-polar, with threonine, which is neutral and polar, at codon 2526 of the BRCA2 protein (p.Ala2526Thr). This variant is not present in population databases (gnomAD no frequency). This variant has not been reported in the literature in individuals affected with BRCA2-related conditions. ClinVar contains an entry for this variant (Variation ID: 919312). Invitae Evidence Modeling of protein sequence and biophysical properties (such as structural, functional, and spatial information, amino acid conservation, physicochemical variation, residue mobility, and thermodynamic stability) indicates that this missense variant is not expected to disrupt BRCA2 protein function with a negative predictive value of 95%. In summary, the available evidence is currently insufficient to determine the role of this variant in disease. Therefore, it has been classified as a Variant of Uncertain Significance.

Color Diagnostics, LLC DBA Color Health
Classification: Uncertain significance for Hereditary cancer-predisposing syndrome. Last evaluated: 2023-12-04. Review status: criteria provided, single submitter. Criteria: ACMG Guidelines, 2015. Collection method: clinical testing. Allele origin: germline.
Comment: This missense variant replaces alanine with threonine at codon 2526 of the BRCA2 protein. Computational prediction is inconclusive regarding the impact of this variant on protein structure and function (internally defined REVEL score threshold 0.5 < inconclusive < 0.7, PMID: 27666373). To our knowledge, functional studies have not been reported for this variant. This variant has not been reported in individuals affected with BRCA2-related disorders in the literature. This variant has not been identified in the general population by the Genome Aggregation Database (gnomAD). The available evidence is insufficient to determine the role of this variant in disease conclusively. Therefore, this variant is classified as a Variant of Uncertain Significance.

Ambry Genetics
Classification: Uncertain significance for Hereditary cancer-predisposing syndrome. Last evaluated: 2023-06-27. Review status: criteria provided, single submitter. Criteria: Ambry Variant Classification Scheme 2023. Collection method: clinical testing. Allele origin: germline.
Comment: The p.A2526T variant (also known as c.7576G>A), located in coding exon 14 of the BRCA2 gene, results from a G to A substitution at nucleotide position 7576. The alanine at codon 2526 is replaced by threonine, an amino acid with similar properties. This amino acid position is highly conserved in available vertebrate species. In addition, the in silico prediction for this alteration is inconclusive. Since supporting evidence is limited at this time, the clinical significance of this alteration remains unclear.

NM_000059.4(BRCA2):c.7576G>A (p.Ala2526Thr)

Gene: BRCA2 (BRCA2 DNA repair associated; plus strand). Cytogenetic location: 13q13.1.
Variant type: single nucleotide variant.
Coding change: c.7576G>A on transcript NM_000059.4 (MANE Select); coding-DNA position 7576, G replaced by A.
Protein change: p.Ala2526Thr; replaces alanine 2526 with threonine.
Molecular consequence: missense variant.
Genome position (GRCh38, 1-based): chr13:32,356,568, G>A. VCF-style: chr13-32356568-G-A. GRCh37 (hg19) VCF-style: chr13-32930705-G-A.
Other names: short protein forms A2526T.
Identifiers: ClinVar variation 919312 (VCV000919312.7), dbSNP rs2072698908, ClinGen allele CA387743810.